The following is an entry in ClinVar:

Conditions:
Breast-ovarian cancer, familial, susceptibility to, 1 (BROVCA1). Also called: BRCA1 Hereditary Breast and Ovarian Cancer; OVARIAN CANCER, SUSCEPTIBILITY TO. Identifiers: Orphanet 145, MedGen C2676676, MONDO:0011450, OMIM 604370. Disease mechanism: loss of function.

Submission:

Brotman Baty Institute, University of Washington
No classification provided (evidence only). Condition: Breast-ovarian cancer, familial 1. Review status: no classification provided. Collection method: in vitro. Allele origin: not applicable. Functional consequence: function_uncertain_variant.
ClinVar note: "not provided" was previously submitted as the classification for the variant. However, the classification appeared to be based only on an observation of functional data so it was converted to no classification on 2025-07-30.

NM_007294.4(BRCA1):c.76A>C (p.Ile26Leu)

Gene: BRCA1 (BRCA1 DNA repair associated; minus strand). Cytogenetic location: 17q21.31.
Variant type: single nucleotide variant.
Coding change: c.76A>C on transcript NM_007294.4 (MANE Select); coding-DNA position 76, A replaced by C.
Protein change: p.Ile26Leu; replaces isoleucine 26 with leucine.
Molecular consequence: missense variant. On other transcripts: 5 prime UTR variant (1), non-coding transcript variant (1).
Genome position (GRCh38, 1-based): chr17:43,124,021, T>G on the plus strand (A>C on the coding strand, the complement: BRCA1 is on the minus strand). VCF-style: chr17-43124021-T-G. GRCh37 (hg19) VCF-style: chr17-41276038-T-G.
Other names: c.-113A>C (NM_001407571.1, NM_001407853.1, NM_001407879.1 and 46 more transcripts); c.76A>C, p.Ile26Leu (NM_001407581.1, NM_001407582.1, NM_001407583.1 and 193 more transcripts); c.-185A>C (NM_001407725.1, NM_001407730.1, NM_001407734.1 and 22 more transcripts); c.-131A>C (NM_001407726.1, NM_001407751.1); c.-182A>C (NM_001407727.1, NM_001407731.1, NM_001407733.1 and 11 more transcripts); c.-12A>C (NM_001407732.1, NM_001407736.1, NM_001407738.1 and 23 more transcripts); c.-189A>C (NM_001407741.1, NM_001407934.1, NM_001408497.1); c.-62A>C (NM_001407841.1); and 8 more; short protein forms I26L.
Identifiers: ClinVar variation 865066 (VCV000865066.3), dbSNP rs1597923170, ClinGen allele CA10602007.